The following is an entry in ClinVar:

ClinVar aggregate classification (germline): Uncertain significance (1 of 4 stars; one submission).

Conditions:
Leigh syndrome (NULS). Also called: Leigh's necrotizing encephalopathy; Leigh's disease; Leigh's syndrome; LEIGH SYNDROME, NUCLEAR; Leigh Syndrome (mtDNA deletion); Leigh Disease. Identifiers: Orphanet 506, MedGen C2931891, MONDO:0009723, OMIM 256000.

Submission:

Wong Mito Lab, Molecular and Human Genetics, Baylor College of Medicine
Classification: Uncertain significance for Leigh syndrome. Last evaluated: 2019-10-17. Review status: criteria provided, single submitter. Criteria: Modified ACMG Guidelines (Unpublished). Collection method: clinical testing. Allele origin: germline.
Comment: The NC_012920.1:m.14804G>A (YP_003024038.1:p.Asp20Asn) variant in MTCYB gene is interpretated to be a Uncertain Significance variant based on the modified ACMG guidelines (unpublished). This variant meets the following evidence codes: no criteria

NC_012920.1(MT-CYB):m.14804G>A

Gene: MT-CYB (mitochondrially encoded cytochrome b; plus strand).
Variant type: single nucleotide variant.
Genome position: chrM-14804-G-A.
Identifiers: ClinVar variation 693769 (VCV000693769.1), dbSNP rs1603224902, ClinGen allele CA913172133.